The following is an entry in ClinVar:

NM_001621.5(AHR):c.901G>T (p.Asp301Tyr)

Gene: AHR (aryl hydrocarbon receptor; plus strand). Cytogenetic location: 7p21.1.
Variant type: single nucleotide variant.
Coding change: c.901G>T on transcript NM_001621.5 (MANE Select); coding-DNA position 901, G replaced by T.
Protein change: p.Asp301Tyr; replaces aspartic acid 301 with tyrosine.
Molecular consequence: missense variant.
Genome position (GRCh38, 1-based): chr7:17,334,107, G>T. VCF-style: chr7-17334107-G-T. GRCh37 (hg19) VCF-style: chr7-17373731-G-T.
Other names: short protein forms D301Y.
Identifiers: ClinVar variation 1477384 (VCV001477384.6), dbSNP rs2115366431, ClinGen allele CA366892363.

ClinVar aggregate classification (germline): Uncertain significance (1 of 4 stars; one submission).

Submission:

Labcorp Genetics (formerly Invitae), Labcorp
Classification: Uncertain significance. Last evaluated: 2021-09-17. Review status: criteria provided, single submitter. Criteria: Invitae Variant Classification Sherloc (09022015). Collection method: clinical testing. Allele origin: germline.
Comment: In summary, the available evidence is currently insufficient to determine the role of this variant in disease. Therefore, it has been classified as a Variant of Uncertain Significance. Algorithms developed to predict the effect of missense changes on protein structure and function (SIFT, PolyPhen-2, Align-GVGD) all suggest that this variant is likely to be disruptive. This variant has not been reported in the literature in individuals affected with AHR-related conditions. This variant is not present in population databases (ExAC no frequency). This sequence change replaces aspartic acid with tyrosine at codon 301 of the AHR protein (p.Asp301Tyr). The aspartic acid residue is highly conserved and there is a large physicochemical difference between aspartic acid and tyrosine.